The following is an entry in ClinVar:

ClinVar aggregate classification (germline): Uncertain significance (1 of 4 stars; one submission).

Submission:

Labcorp Genetics (formerly Invitae), Labcorp
Classification: Uncertain significance. Last evaluated: 2019-05-14. Review status: criteria provided, single submitter. Criteria: Invitae Variant Classification Sherloc (09022015). Collection method: clinical testing. Allele origin: germline.
Comment: This sequence change replaces valine with isoleucine at codon 1584 of the SON protein (p.Val1584Ile). The valine residue is weakly conserved and there is a small physicochemical difference between valine and isoleucine. This variant is not present in population databases (ExAC no frequency). In summary, the available evidence is currently insufficient to determine the role of this variant in disease. Therefore, it has been classified as a Variant of Uncertain Significance. Algorithms developed to predict the effect of missense changes on protein structure and function are either unavailable or do not agree on the potential impact of this missense change (SIFT: "Tolerated"; PolyPhen-2: "Possibly Damaging"; Align-GVGD: "Class C0"). This variant has not been reported in the literature in individuals with SON-related conditions.

NM_138927.4(SON):c.4750G>A (p.Val1584Ile)

Gene: SON (SON DNA and RNA binding protein; plus strand). Cytogenetic location: 21q22.11.
Variant type: single nucleotide variant.
Coding change: c.4750G>A on transcript NM_138927.4 (MANE Select); coding-DNA position 4750, G replaced by A.
Protein change: p.Val1584Ile; replaces valine 1584 with isoleucine.
Molecular consequence: missense variant. On other transcripts: non-coding transcript variant (1), intron variant (1).
Genome position (GRCh38, 1-based): chr21:33,553,981, G>A. VCF-style: chr21-33553981-G-A. GRCh37 (hg19) VCF-style: chr21-34926287-G-A.
Other names: c.4750G>A, p.Val1584Ile (NM_001291411.2, NM_032195.3); c.245-3175G>A (NM_001291412.3); short protein forms V1584I.
Identifiers: ClinVar variation 844092 (VCV000844092.9), dbSNP rs2085888485, ClinGen allele CA410163302.